The following is an entry in ClinVar:

NM_001854.4(COL11A1):c.2029C>A (p.Pro677Thr)

Gene: COL11A1 (collagen type XI alpha 1 chain; minus strand). Cytogenetic location: 1p21.1.
Variant type: single nucleotide variant.
Coding change: c.2029C>A on transcript NM_001854.4 (MANE Select); coding-DNA position 2029, C replaced by A.
Protein change: p.Pro677Thr; replaces proline 677 with threonine.
Molecular consequence: missense variant. On other transcripts: non-coding transcript variant (1).
Genome position (GRCh38, 1-based): chr1:103,002,761, G>T on the plus strand (C>A on the coding strand, the complement: COL11A1 is on the minus strand). VCF-style: chr1-103002761-G-T. GRCh37 (hg19) VCF-style: chr1-103468317-G-T.
Other names: c.1912C>A, p.Pro638Thr (NM_001190709.2); c.2065C>A, p.Pro689Thr (NM_080629.3); c.1681C>A, p.Pro561Thr (NM_080630.4); short protein forms P561T, P638T, P677T, P689T.
Identifiers: ClinVar variation 3368041 (VCV003368041.1).

ClinVar aggregate classification (germline): Uncertain significance (1 of 4 stars; one submission).

Submission:

GeneDx
Classification: Uncertain significance. Last evaluated: 2024-01-18. Review status: criteria provided, single submitter. Criteria: GeneDx Variant Classification Process June 2021. Collection method: clinical testing. Allele origin: germline. Affected: yes.
Comment: Not observed at significant frequency in large population cohorts (gnomAD); In silico analysis supports that this missense variant has a deleterious effect on protein structure/function; Has not been previously published as pathogenic or benign to our knowledge